The following is an entry in ClinVar:

ClinVar aggregate classification (germline): Pathogenic/Likely pathogenic. Review status: criteria provided, multiple submitters, no conflicts (2 of 4 stars). 2 submissions from 2 submitters: Pathogenic (1); Likely pathogenic (1). Last evaluated 2024-05-21.

Conditions:
Polycystic kidney disease 4 (PKD4). Also called: POLYCYSTIC KIDNEY AND HEPATIC DISEASE 1; POLYCYSTIC KIDNEY DISEASE, INFANTILE, TYPE I; PKD3; Autosomal Recessive Polycystic Kidney Disease – PKHD1; POLYCYSTIC KIDNEY DISEASE 4 WITH OR WITHOUT POLYCYSTIC LIVER DISEASE. Identifiers: MedGen C4540575, MONDO:0033004, OMIM 263200.

Submissions (2):

Myriad Genetics, Inc.
Classification: Pathogenic for Polycystic kidney disease 4. Last evaluated: 2024-05-21. Review status: criteria provided, single submitter. Criteria: Myriad Autosomal Dominant, Autosomal Recessive and X-Linked Classification Criteria (2023). Collection method: clinical testing. Allele origin: unknown.
Comment: NM_138694.3(PKHD1):c.7876C>T(Q2626*) is expected to be pathogenic in the context of autosomal recessive polycystic kidney disease, PKHD1-related. This variant is predicted to lead to an abnormal or absent protein product due to the creation of a premature termination codon in PKHD1, a gene where loss-of-function variants are known to be pathogenic. Please note: this variant was assessed in the context of healthy population screening.

Neuberg Centre For Genomic Medicine, NCGM
Classification: Likely pathogenic for Polycystic kidney disease 4. Review status: criteria provided, single submitter. Criteria: ACMG Guidelines, 2015. Collection method: clinical testing. Allele origin: germline. Inheritance: Autosomal recessive inheritance. Affected: yes.
Comment: The stop gained c.7876C>Tp.Gln2626Ter variant in PKHD1 gene has not been reported previously as a pathogenic variant nor as a benign variant, to our knowledge. The c.7876C>T variant is novel not in any individuals in gnomAD Exomes and 1000 Genomes. This variant has not been reported to the ClinVar database. The nucleotide change c.7876C>T in PKHD1 is predicted as conserved by GERP++ and PhyloP across 100 vertebrates. This variant is predicted to cause loss of normal protein function through protein truncation. Loss of function variants have been previously reported to be disease causing. Functional studies are required to prove pathogenicity of the variant. For these reasons, this variant has been classified as Likely Pathogenic.

NM_138694.4(PKHD1):c.7876C>T (p.Gln2626Ter)

Gene: PKHD1 (PKHD1 ciliary IPT domain containing fibrocystin/polyductin; minus strand). Cytogenetic location: 6p12.2.
Variant type: single nucleotide variant.
Coding change: c.7876C>T on transcript NM_138694.4 (MANE Select); coding-DNA position 7876, C replaced by T.
Protein change: p.Gln2626Ter; replaces glutamine 2626 with a stop codon.
Molecular consequence: nonsense.
Genome position (GRCh38, 1-based): chr6:51,855,928, G>A on the plus strand (C>T on the coding strand, the complement: PKHD1 is on the minus strand). VCF-style: chr6-51855928-G-A. GRCh37 (hg19) VCF-style: chr6-51720726-G-A.
Other names: c.7876C>T, p.Gln2626Ter (NM_170724.3); short protein forms Q2626*.
Identifiers: ClinVar variation 3234906 (VCV003234906.3), dbSNP rs2535811033, ClinGen allele CA364433578.